The following is an entry in ClinVar:

ClinVar aggregate classification (germline): Likely pathogenic (1 of 4 stars; one submission).

Allele frequency attached by ClinVar (database versions not stated): ExAC 0.00002.
gnomAD v4.1: 46 of 1,612,446 alleles (0.0029%); highest among the groups gnomAD compares: Non-Finnish European, 0.0038%; no homozygotes.

Submission:

Labcorp Genetics (formerly Invitae), Labcorp
Classification: Likely pathogenic. Last evaluated: 2025-12-01. Review status: criteria provided, single submitter. Criteria: Invitae Variant Classification Sherloc (09022015). Collection method: clinical testing. Allele origin: germline.
Comment: This sequence change affects a donor splice site in intron 3 of the C1S gene. It is expected to disrupt RNA splicing. Variants that disrupt the donor or acceptor splice site typically lead to a loss of protein function (PMID: 16199547), and loss-of-function variants in C1S are known to be pathogenic (PMID: 18062908). This variant is present in population databases (rs112558253, gnomAD 0.003%). This variant has not been reported in the literature in individuals affected with C1S-related conditions. ClinVar contains an entry for this variant (Variation ID: 2990102). Algorithms developed to predict the effect of sequence changes on RNA splicing suggest that this variant may disrupt the consensus splice site. In summary, the currently available evidence indicates that the variant is pathogenic, but additional data are needed to prove that conclusively. Therefore, this variant has been classified as Likely Pathogenic.

Literature cited by the submitters: PubMed 16199547; PubMed 18062908.

NM_001734.5(C1S):c.213+1G>A

Gene: C1S (complement C1s; plus strand). Cytogenetic location: 12p13.31.
Variant type: single nucleotide variant.
Coding change: c.213+1G>A on transcript NM_001734.5 (MANE Select); the canonical splice donor site of the intron after coding-DNA position 213, G replaced by A.
Molecular consequence: splice donor variant. On other transcripts: intron variant (1).
Genome position (GRCh38, 1-based): chr12:7,062,683, G>A. VCF-style: chr12-7062683-G-A. GRCh37 (hg19) VCF-style: chr12-7169987-G-A.
Other names: c.213+1G>A (NM_201442.4); c.-288-207G>A (NM_001346850.2).
Identifiers: ClinVar variation 2990102 (VCV002990102.3), dbSNP rs112558253, ClinGen allele CA6423333.